The following is an entry in ClinVar:

NM_000092.5(COL4A4):c.694-1G>T

Gene: COL4A4 (collagen type IV alpha 4 chain; minus strand). Cytogenetic location: 2q36.3.
Variant type: single nucleotide variant.
Coding change: c.694-1G>T on transcript NM_000092.5 (MANE Select); the canonical splice acceptor site of the intron before coding-DNA position 694, G replaced by T.
Molecular consequence: splice acceptor variant.
Genome position (GRCh38, 1-based): chr2:227,108,623, C>A on the plus strand (G>T on the coding strand, the complement: COL4A4 is on the minus strand). VCF-style: chr2-227108623-C-A. GRCh37 (hg19) VCF-style: chr2-227973339-C-A.
Identifiers: ClinVar variation 3642757 (VCV003642757.2).
Genomic context (GRCh38, chr2:227,108,623, plus strand): 5'-GCAAGAGGGAATTCTTACCGGGTCTCCCATTTGCCCCTTTACTCCCACACCGGGATTTCC[C>A]TGAGAAAGAAATGAAAAAGAATCTAATTGCTTTTGAATTTTAAAAAAGTAATTAAAAGCA-3'

ClinVar aggregate classification (germline): Pathogenic (1 of 4 stars; one submission).

Submission:

Labcorp Genetics (formerly Invitae), Labcorp
Classification: Pathogenic. Last evaluated: 2024-02-23. Review status: criteria provided, single submitter. Criteria: Invitae Variant Classification Sherloc (09022015). Collection method: clinical testing. Allele origin: germline.
Comment: This sequence change affects an acceptor splice site in intron 11 of the COL4A4 gene. It is expected to disrupt RNA splicing. Variants that disrupt the donor or acceptor splice site typically lead to a loss of protein function (PMID: 16199547), and loss-of-function variants in COL4A4 are known to be pathogenic (PMID: 21196518, 24854265, 25307543). This variant is not present in population databases (gnomAD no frequency). Disruption of this splice site has been observed in individuals with Alport syndrome (PMID: 24854265, 30968591). Algorithms developed to predict the effect of sequence changes on RNA splicing suggest that this variant may disrupt the consensus splice site. For these reasons, this variant has been classified as Pathogenic.

Literature cited by the submitters: PubMed 16199547; PubMed 21196518; PubMed 24854265; PubMed 25307543; PubMed 30968591.